The following is an entry in ClinVar:

ClinVar aggregate classification (germline): Conflicting classifications of pathogenicity. Review status: criteria provided, conflicting classifications (1 of 4 stars). 6 submissions from 6 submitters: Uncertain significance (3); Benign (1); Likely benign (2). Last evaluated 2026-02-04.

Conditions:
ADGRV1-related disorder. Also called: ADGRV1-related disorders; ADGRV1-related condition.
Inborn genetic diseases. Identifiers: MedGen C0950123, MeSH D030342.

Allele frequency attached by ClinVar (database versions not stated): gnomAD exomes 0.00003 and 0.00009; ExAC 0.00013; ESP Exome Variant Server 0.00034; gnomAD 0.00039 and 0.00044; TOPMed 0.00057.
gnomAD v4.1: 109 of 1,609,672 alleles (0.0068%); highest among the groups gnomAD compares: African/African-American, 0.12%; no homozygotes.

Submissions (6):

Labcorp Genetics (formerly Invitae), Labcorp
Classification: Benign. Last evaluated: 2026-02-04. Review status: criteria provided, single submitter. Criteria: Invitae Variant Classification Sherloc (09022015). Collection method: clinical testing. Allele origin: germline.

PreventionGenetics, part of Exact Sciences
Classification: Uncertain significance for ADGRV1-related condition. Last evaluated: 2025-10-10. Review status: criteria provided, single submitter. Criteria: ACMG Guidelines, 2015. Collection method: clinical testing. Allele origin: germline.
Comment: The ADGRV1 c.16436A>G variant is predicted to result in the amino acid substitution p.Asn5479Ser. To our knowledge, this variant has not been reported in the literature. This variant is reported in 0.13% of alleles in individuals of African descent in gnomAD. Although we suspect that this variant may be benign, at this time, the clinical significance of this variant is uncertain due to the absence of conclusive functional and genetic evidence.

Women's Health and Genetics/Laboratory Corporation of America, LabCorp
Classification: Uncertain significance. Last evaluated: 2025-07-16. Review status: criteria provided, single submitter. Criteria: LabCorp Variant Classification Summary - May 2015. Collection method: clinical testing. Allele origin: germline.
Comment: Variant summary: ADGRV1 c.16436A>G (p.Asn5479Ser) results in a conservative amino acid change in the encoded protein sequence. Algorithms developed to predict the effect of missense changes on protein structure and function all suggest that this variant is likely to be tolerated. The variant allele was found at a frequency of 8.8e-05 in 248678 control chromosomes. This frequency is not significantly higher than estimated for a pathogenic variant in ADGRV1 causing ADGRV1-Related Disorders, allowing no conclusion about variant significance. To our knowledge, no occurrence of c.16436A>G in individuals affected with ADGRV1-Related Disorders and no experimental evidence demonstrating its impact on protein function have been reported. ClinVar contains an entry for this variant (Variation ID: 389682). Based on the evidence outlined above, the variant was classified as uncertain significance.

Blueprint Genetics
Classification: Likely benign. Last evaluated: 2024-11-26. Review status: criteria provided, single submitter. Criteria: ACMG Guidelines, 2015. Collection method: clinical testing. Allele origin: germline.

Ambry Genetics
Classification: Uncertain significance for Inborn genetic diseases. Last evaluated: 2021-07-08. Review status: criteria provided, single submitter. Criteria: Ambry Variant Classification Scheme 2023. Collection method: clinical testing. Allele origin: germline.

GeneDx
Classification: Likely benign. Last evaluated: 2020-02-26. Review status: criteria provided, single submitter. Criteria: GeneDx Variant Classification Process June 2021. Collection method: clinical testing. Allele origin: germline. Affected: yes.

NM_032119.4(ADGRV1):c.16436A>G (p.Asn5479Ser)

Gene: ADGRV1 (adhesion G protein-coupled receptor V1; plus strand). Cytogenetic location: 5q14.3.
Variant type: single nucleotide variant.
Coding change: c.16436A>G on transcript NM_032119.4 (MANE Select); coding-DNA position 16436, A replaced by G.
Protein change: p.Asn5479Ser; replaces asparagine 5479 with serine.
Molecular consequence: missense variant. On other transcripts: non-coding transcript variant (1).
Genome position (GRCh38, 1-based): chr5:90,829,011, A>G. VCF-style: chr5-90829011-A-G. GRCh37 (hg19) VCF-style: chr5-90124828-A-G.
Other names: short protein forms N5479S.
Identifiers: ClinVar variation 389682 (VCV000389682.17), dbSNP rs368738607, ClinGen allele CA3342155.